The following is an entry in ClinVar:

NM_000245.4(MET):c.2265-31A>G

Gene: MET (MET proto-oncogene, receptor tyrosine kinase; plus strand). Cytogenetic location: 7q31.2.
Variant type: single nucleotide variant.
Coding change: c.2265-31A>G on transcript NM_000245.4 (MANE Select); 31 bases into the intron before coding-DNA position 2265, A replaced by G.
Molecular consequence: intron variant. On other transcripts: missense variant (1).
Genome position (GRCh38, 1-based): chr7:116,759,360, A>G. VCF-style: chr7-116759360-A-G. GRCh37 (hg19) VCF-style: chr7-116399414-A-G.
Other names: c.2288A>G, p.Asn763Ser (NM_001127500.3); c.975-31A>G (NM_001324402.2); c.2265-31A>G (NM_001324401.3); short protein forms N763S.
Identifiers: ClinVar variation 411911 (VCV000411911.18), dbSNP rs370237186, ClinGen allele CA4448443.

ClinVar aggregate classification (germline): Conflicting classifications of pathogenicity. Review status: criteria provided, conflicting classifications (1 of 4 stars). 3 submissions from 3 submitters: Uncertain significance (2); Benign (1). Last evaluated 2026-05-11.

Conditions:
Renal cell carcinoma. Identifiers: Orphanet 217071, MedGen C0007134, MeSH D002292, MONDO:0005086, HP:0005584.
Hereditary cancer-predisposing syndrome. Also called: Hereditary neoplastic syndrome; Tumor predisposition; Hereditary Cancer Syndrome; Neoplastic Syndromes, Hereditary. Identifiers: Orphanet 140162, MedGen C0027672, MeSH D009386, MONDO:0015356.

Allele frequency attached by ClinVar (database versions not stated): gnomAD exomes below 0.00001; TOPMed below 0.00001; ExAC 0.00002; ESP Exome Variant Server 0.00008.
gnomAD v4.1: 2 of 1,605,966 alleles (0.00012%); highest among the groups gnomAD compares: Non-Finnish European, 0.00017%; no homozygotes.

Submissions (3):

Ambry Genetics
Classification: Benign for Hereditary cancer-predisposing syndrome. Last evaluated: 2026-05-11. Review status: criteria provided, single submitter. Criteria: Ambry Variant Classification Scheme 2023. Collection method: clinical testing. Allele origin: germline.

Labcorp Genetics (formerly Invitae), Labcorp
Classification: Uncertain significance for Renal cell carcinoma. Last evaluated: 2025-08-27. Review status: criteria provided, single submitter. Criteria: Invitae Variant Classification Sherloc (09022015). Collection method: clinical testing. Allele origin: germline.
Comment: This sequence change replaces asparagine, which is neutral and polar, with serine, which is neutral and polar, at codon 763 of the MET protein (p.Asn763Ser). This variant is not present in population databases (gnomAD no frequency). This variant has not been reported in the literature in individuals affected with MET-related conditions. ClinVar contains an entry for this variant (Variation ID: 411911). An algorithm developed to predict the effect of missense changes on protein structure and function outputs the following: PolyPhen-2: "Benign". The serine amino acid residue is found in multiple mammalian species, which suggests that this missense change does not adversely affect protein function. In summary, the available evidence is currently insufficient to determine the role of this variant in disease. Therefore, it has been classified as a Variant of Uncertain Significance.

GeneDx
Classification: Uncertain significance. Last evaluated: 2023-12-28. Review status: criteria provided, single submitter. Criteria: GeneDx Variant Classification Process June 2021. Collection method: clinical testing. Allele origin: germline.
Comment: Not observed at significant frequency in large population cohorts (gnomAD); In silico analysis supports that this missense variant does not alter protein structure/function; Has not been previously published as pathogenic or benign to our knowledge